The following is an entry in ClinVar:

NM_001379500.1(COL18A1):c.1593del (p.Pro534fs)

Gene: COL18A1 (collagen type XVIII alpha 1 chain; plus strand). Cytogenetic location: 21q22.3.
Variant type: Deletion.
Coding change: c.1593del on transcript NM_001379500.1 (MANE Select); coding-DNA position 1593, one base deleted (C; older notation c.1593delC).
Protein change: p.Pro534fs; shifts the reading frame from proline 534.
Molecular consequence: frameshift variant.
Genome position (GRCh38, 1-based): chr21:45,480,840, C deleted; the last of 6 consecutive C bases (chr21:45,480,835-45,480,840); deleting any one gives the same sequence. VCF-style (leftmost placement, unchanged base first): chr21-45480834-TC-T. GRCh37 (hg19) VCF-style: chr21-46900748-TC-T.
Other names: c.2133del, p.Pro714fs (NM_030582.4); c.2838del, p.Pro949fs (NM_130444.3); short protein forms P949fs, P714fs.
Identifiers: ClinVar variation 447114 (VCV000447114.6), dbSNP rs778909108, ClinGen allele CA645602041.

ClinVar aggregate classification (germline): Pathogenic/Likely pathogenic. Review status: criteria provided, multiple submitters, no conflicts (2 of 4 stars). 2 submissions from 2 submitters: Pathogenic (1); Likely pathogenic (1). Last evaluated 2025-03-17.

Submissions (2):

Labcorp Genetics (formerly Invitae), Labcorp
Classification: Pathogenic. Last evaluated: 2025-03-17. Review status: criteria provided, single submitter. Criteria: Invitae Variant Classification Sherloc (09022015). Collection method: clinical testing. Allele origin: germline.
Comment: This sequence change creates a premature translational stop signal (p.Pro534Leufs*190) in the COL18A1 gene. It is expected to result in an absent or disrupted protein product. Loss-of-function variants in COL18A1 are known to be pathogenic (PMID: 12415512, 25456301). This variant is not present in population databases (gnomAD no frequency). This variant has not been reported in the literature in individuals affected with COL18A1-related conditions. ClinVar contains an entry for this variant (Variation ID: 447114). For these reasons, this variant has been classified as Pathogenic.

Athena Diagnostics
Classification: Likely pathogenic. Last evaluated: 2016-06-22. Review status: criteria provided, single submitter. Criteria: Athena Diagnostics Criteria. Collection method: clinical testing. Allele origin: germline.

Literature cited by the submitters: PubMed 12415512 (cited by Labcorp Genetics (formerly Invitae), Labcorp); PubMed 25456301 (cited by Labcorp Genetics (formerly Invitae), Labcorp).